The following is an entry in ClinVar:

ClinVar aggregate classification (germline): Uncertain significance (1 of 4 stars; one submission).

Conditions:
Inborn genetic diseases. Identifiers: MedGen C0950123, MeSH D030342.

gnomAD v4.1: 1 of 1,614,146 alleles (0.000062%); highest among the groups gnomAD compares: Non-Finnish European, 0.000085%; no homozygotes.

Submission:

Ambry Genetics
Classification: Uncertain significance for Inborn genetic diseases. Last evaluated: 2025-03-31. Review status: criteria provided, single submitter. Criteria: Ambry Variant Classification Scheme 2023. Collection method: clinical testing. Allele origin: germline.
Comment: The p.T137K variant (also known as c.410C>A), located in coding exon 5 of the DDX41 gene, results from a C to A substitution at nucleotide position 410. The threonine at codon 137 is replaced by lysine, an amino acid with similar properties. This amino acid position is well conserved in available vertebrate species. In addition, this alteration is predicted to be tolerated by in silico analysis. Based on the available evidence, the clinical significance of this variant remains unclear.

NM_016222.4(DDX41):c.410C>A (p.Thr137Lys)

Gene: DDX41 (DEAD-box helicase 41; minus strand). Cytogenetic location: 5q35.3.
Variant type: single nucleotide variant.
Coding change: c.410C>A on transcript NM_016222.4 (MANE Select); coding-DNA position 410, C replaced by A.
Protein change: p.Thr137Lys; replaces threonine 137 with lysine.
Molecular consequence: missense variant.
Genome position (GRCh38, 1-based): chr5:177,515,953, G>T on the plus strand (C>A on the coding strand, the complement: DDX41 is on the minus strand). VCF-style: chr5-177515953-G-T. GRCh37 (hg19) VCF-style: chr5-176942954-G-T.
Other names: c.32C>A, p.Thr11Lys (NM_001321732.2, NM_001321830.2); short protein forms T11K, T137K.
Identifiers: ClinVar variation 4010269 (VCV004010269.1).